The following is an entry in ClinVar:

ClinVar aggregate classification (germline): Benign (1 of 4 stars; one submission).

Conditions:
Fibrous dysplasia of jaw (CRBM). Also called: Cherubism. Identifiers: Orphanet 184, MedGen C0008029, MONDO:0007315, OMIM 118400.

Allele frequency attached by ClinVar (database versions not stated): gnomAD 0.03221 and 0.03455; 1000 Genomes Project 0.03494; TOPMed 0.03674; 1000 Genomes Project 30x 0.03716.

Submission:

Illumina Laboratory Services, Illumina
Classification: Benign for Fibrous dysplasia of jaw. Last evaluated: 2018-01-13. Review status: criteria provided, single submitter. Criteria: ICSL Variant Classification Criteria 13 December 2019. Collection method: clinical testing. Allele origin: germline.
Comment: This variant was observed in the ICSL laboratory as part of a predisposition screen in an ostensibly healthy population. It had not been previously curated by ICSL or reported in the Human Gene Mutation Database (HGMD: prior to June 1st, 2018), and was therefore a candidate for classification through an automated scoring system. Utilizing variant allele frequency, disease prevalence and penetrance estimates, and inheritance mode, an automated score was calculated to assess if this variant is too frequent to cause the disease. Based on the score and internal cut-off values, a variant classified as benign is not then subjected to further curation. The score for this variant resulted in a classification of benign for this disease.

NM_001122681.2(SH3BP2):c.*6603G>A

Gene: SH3BP2 (SH3 domain binding protein 2; plus strand). Cytogenetic location: 4p16.3.
Variant type: single nucleotide variant.
Coding change: c.*6603G>A on transcript NM_001122681.2 (MANE Select); 6603 bases downstream of the stop codon, G replaced by A.
Molecular consequence: 3 prime UTR variant.
Genome position (GRCh38, 1-based): chr4:2,840,437, G>A. VCF-style: chr4-2840437-G-A. GRCh37 (hg19) VCF-style: chr4-2842164-G-A.
Other names: c.*6603G>A (NM_001145855.2, NM_001145856.2, NM_003023.4).
Identifiers: ClinVar variation 900430 (VCV000900430.4), dbSNP rs77813357, ClinGen allele CA91419589.
Genomic context (GRCh38, chr4:2,840,437, plus strand): 5'-GCATATGGTGTGAGGTAAGGATTCACTTTCATTTTTTTCTCTCCATAGGGTTACACACCT[G>A]TCCTATCATTGTTTGTAATCTAACTTTCTGCGCCCATCTGCAATGCCACCTCTGTCATAT-3'